The following is an entry in ClinVar:

ClinVar aggregate classification (germline): Uncertain significance (1 of 4 stars; one submission).

Conditions:
Achromatopsia 4 (ACHM4). Identifiers: Orphanet 49382, MedGen C1841721, MONDO:0013465, OMIM 613856.

gnomAD v4.1: 1 of 1,612,076 alleles (0.000062%); highest among the groups gnomAD compares: African/African-American, 0.0013%; no homozygotes.

Submission:

3billion
Classification: Uncertain significance for Achromatopsia 4. Last evaluated: 2023-12-21. Review status: criteria provided, single submitter. Criteria: ACMG Guidelines, 2015. Collection method: clinical testing. Allele origin: germline. Affected: yes.
Comment: The variant is not observed in the gnomAD v2.1.1 dataset. Predicted Consequence/Location: Intron variant In silico tools predict the variant to alter splicing and produce an abnormal transcript [SpliceAI: 0.35 (>=0.2, moderate evidence for spliceogenicity)]. Therefore, this variant is classified as VUS according to the recommendation of ACMG/AMP guideline.

NM_001377295.2(GNAT2):c.161+6T>C

Gene: GNAT2 (G protein subunit alpha transducin 2; minus strand). Cytogenetic location: 1p13.3.
Variant type: single nucleotide variant.
Coding change: c.161+6T>C on transcript NM_001377295.2 (MANE Select); 6 bases into the intron after coding-DNA position 161, T replaced by C.
Molecular consequence: intron variant.
Genome position (GRCh38, 1-based): chr1:109,610,459, A>G on the plus strand (T>C on the coding strand, the complement: GNAT2 is on the minus strand). VCF-style: chr1-109610459-A-G. GRCh37 (hg19) VCF-style: chr1-110153081-A-G.
Other names: c.161+6T>C (NM_001379232.1, NM_005272.5).
Identifiers: ClinVar variation 3775886 (VCV003775886.1).